The following is an entry in ClinVar:

ClinVar aggregate classification (germline): Likely pathogenic (1 of 4 stars; one submission).

Conditions:
Polycystic kidney disease 4 (PKD4). Also called: PKD3; POLYCYSTIC KIDNEY AND HEPATIC DISEASE 1; POLYCYSTIC KIDNEY DISEASE, INFANTILE, TYPE I; POLYCYSTIC KIDNEY DISEASE 4 WITH OR WITHOUT POLYCYSTIC LIVER DISEASE; Autosomal Recessive Polycystic Kidney Disease – PKHD1. Identifiers: MedGen C4540575, MONDO:0033004, OMIM 263200.

Submission:

MVZ Medizinische Genetik Mainz
Classification: Likely pathogenic for Polycystic kidney disease 4. Last evaluated: 2026-06-03. Review status: criteria provided, single submitter. Criteria: UK Practice Guidelines For Variant Classification V4 01 2020. Collection method: clinical testing. Allele origin: germline. Inheritance: Autosomal dominant inheritance. Affected: yes. Observed: 1 variant allele.
Comment: ACMG Criteria: PVS1,PM2_SUP

NM_138694.4(PKHD1):c.6682+1G>C

Gene: PKHD1 (PKHD1 ciliary IPT domain containing fibrocystin/polyductin; minus strand). Cytogenetic location: 6p12.2.
Variant type: single nucleotide variant.
Coding change: c.6682+1G>C on transcript NM_138694.4 (MANE Select); the canonical splice donor site of the intron after coding-DNA position 6682, G replaced by C.
Molecular consequence: splice donor variant.
Genome position (GRCh38, 1-based): chr6:51,909,282, C>G on the plus strand (G>C on the coding strand, the complement: PKHD1 is on the minus strand). VCF-style: chr6-51909282-C-G. GRCh37 (hg19) VCF-style: chr6-51774080-C-G.
Other names: c.6682+1G>C (NM_170724.3).
Identifiers: ClinVar variation 4857280 (VCV004857280.1).